The following is an entry in ClinVar:

NM_001367624.2(ZNF469):c.7338G>C (p.Gln2446His)

Gene: ZNF469 (zinc finger protein 469; plus strand). Cytogenetic location: 16q24.2.
Variant type: single nucleotide variant.
Coding change: c.7338G>C on transcript NM_001367624.2 (MANE Select); coding-DNA position 7338, G replaced by C.
Protein change: p.Gln2446His; replaces glutamine 2446 with histidine.
Molecular consequence: missense variant.
Genome position (GRCh38, 1-based): chr16:88,434,808, G>C. VCF-style: chr16-88434808-G-C. GRCh37 (hg19) VCF-style: chr16-88501216-G-C.
Other names: NM_001127464.1:c.7254G>C; short protein forms Q2446H.
Identifiers: ClinVar variation 1757935 (VCV001757935.4), dbSNP rs1477736774, ClinGen allele CA397109581.

ClinVar aggregate classification (germline): Uncertain significance. Review status: criteria provided, multiple submitters, no conflicts (2 of 4 stars). 2 submissions from 2 submitters: Uncertain significance (2). Last evaluated 2024-05-06.

Conditions:
Cardiovascular phenotype. Identifiers: MedGen CN230736.

Allele frequency attached by ClinVar (database versions not stated): gnomAD exomes below 0.00001; gnomAD 0.00001; TOPMed 0.00002.
gnomAD v4.1: 2 of 1,550,228 alleles (0.00013%); highest among the groups gnomAD compares: African/African-American, 0.0027%; no homozygotes.

Submissions (2):

Ambry Genetics
Classification: Uncertain significance for Cardiovascular phenotype. Last evaluated: 2024-05-06. Review status: criteria provided, single submitter. Criteria: Ambry Variant Classification Scheme 2023. Collection method: clinical testing. Allele origin: germline.

GeneDx
Classification: Uncertain significance. Last evaluated: 2024-04-10. Review status: criteria provided, single submitter. Criteria: GeneDx Variant Classification Process June 2021. Collection method: clinical testing. Allele origin: germline. Affected: yes.
Comment: Has not been previously published as pathogenic or benign to our knowledge; Not observed at significant frequency in large population cohorts (gnomAD); In silico analysis indicates that this missense variant does not alter protein structure/function